The following is an entry in ClinVar:

NM_000287.4(PEX6):c.1947del (p.Ile650fs)

Gene: PEX6 (peroxisomal biogenesis factor 6; minus strand). Cytogenetic location: 6p21.1.
Variant type: Deletion.
Coding change: c.1947del on transcript NM_000287.4 (MANE Select); coding-DNA position 1947, one base deleted (G; older notation c.1947delG).
Protein change: p.Ile650fs; shifts the reading frame from isoleucine 650.
Molecular consequence: frameshift variant. On other transcripts: non-coding transcript variant (1).
Genome position (GRCh38, 1-based): chr6:42,966,796, C deleted on the plus strand (G on the coding strand, the reverse complement: PEX6 is on the minus strand); the first of 2 consecutive C bases (chr6:42,966,796-42,966,797); deleting either gives the same sequence. VCF-style (leftmost placement, unchanged base first): chr6-42966795-TC-T. GRCh37 (hg19) VCF-style: chr6-42934533-TC-T.
Other names: c.1947del (NM_000287.3); c.1683del, p.Ile562fs (NM_001316313.2); short protein forms I562fs, I650fs.
Identifiers: ClinVar variation 495796 (VCV000495796.48), dbSNP rs267608227, ClinGen allele CA3811174.

ClinVar aggregate classification (germline): Pathogenic/Likely pathogenic. Review status: criteria provided, multiple submitters, no conflicts (2 of 4 stars). 13 submissions from 13 submitters: Pathogenic (11); Likely pathogenic (1). 1 of the submissions does not count toward it. Last evaluated 2026-08-17.

Conditions:
PEX6-related disorder. Also called: PEX6-related condition; PEX6-related disorders.
Heimler syndrome 2 (HMLR2). Also called: PEROXISOME BIOGENESIS DISORDER 4C. Identifiers: Orphanet 3220, MedGen C4225267, OMIM 616617, MONDO:0014709.
Peroxisome biogenesis disorder 4A (Zellweger) (PBD4A). Also called: Zellweger syndrome spectrum (PEX6-related). Identifiers: Orphanet 912, MedGen C3553936, MONDO:0013930, OMIM 614862. Disease mechanism: loss of function.
Peroxisome biogenesis disorder 4B (PBD4B). Also called: SPINOCEREBELLAR ATAXIA WITH BLINDNESS AND DEAFNESS 1. Identifiers: Orphanet 44, Orphanet 95433, MedGen C3553937, MONDO:0013931, OMIM 614863.
Peroxisome biogenesis disorder. Identifiers: Orphanet 79189, MedGen C1832200, MONDO:0019234. Disease mechanism: loss of function.
Zellweger spectrum disorders (ZS). Also called: Zellweger Spectrum Disorder; Zellweger Spectrum; Zellweger syndrome; Zellweger Spectrum Disorder (ZSD). Identifiers: Orphanet 912, MedGen C0043459, MONDO:0019609.

Submissions (13):

PreventionGenetics, part of Exact Sciences
Classification: Pathogenic for PEX6-related condition. Last evaluated: 2026-08-17. Review status: criteria provided, single submitter. Criteria: ACMG Guidelines, 2015. Collection method: clinical testing. Allele origin: germline.
Comment: The PEX6 c.1947delG variant is predicted to result in a frameshift and premature protein termination (p.Ile650Serfs*10). This variant has been reported in the homozygous and compound heterozygous state in multiple individuals with Zellweger syndrome (Krause et al 2009. PubMed ID: 19142205; Ebberink et al 2011. PubMed ID: 19877282). This variant is reported in 0.0040% of alleles in individuals of African descent in gnomAD. Frameshift variants in PEX6 are expected to be pathogenic. This variant is interpreted as pathogenic.

Labcorp Genetics (formerly Invitae), Labcorp
Classification: Pathogenic for Peroxisome biogenesis disorder. Last evaluated: 2026-01-19. Review status: criteria provided, single submitter. Criteria: Invitae Variant Classification Sherloc (09022015). Collection method: clinical testing. Allele origin: germline.
Comment: This sequence change creates a premature translational stop signal (p.Ile650Serfs*10) in the PEX6 gene. It is expected to result in an absent or disrupted protein product. Loss-of-function variants in PEX6 are known to be pathogenic (PMID: 10408779, 21031596, 31831025). This variant is present in population databases (rs267608227, gnomAD 0.004%). This premature translational stop signal has been observed in individuals with Zellweger syndrome (PMID: 19142205, 19877282). ClinVar contains an entry for this variant (Variation ID: 495796). For these reasons, this variant has been classified as Pathogenic.

Natera, Inc.
Classification: Pathogenic for Zellweger syndrome. Last evaluated: 2025-06-30. Review status: criteria provided, single submitter. Criteria: Natera Variant Classification Schema (03/2026). Collection method: clinical testing. Allele origin: germline.
Comment: The c.1947delG variant in PEX6 is a frameshift variant predicted to shift the reading frame beginning at codon 650 and leads to a stop codon 10 codons downstream. This variant is expected to result in nonsense mediated decay, truncation, or a dysfunctional protein product. This variant is rare in the general population with a frequency below the threshold expected for the associated phenotype(s). This variant has been observed in one or more individuals affected with the associated recessive disease, as either homozygous or compound heterozygous with a second variant (PMID: 19877282). Given the available evidence, this variant is classified as Pathogenic.

3billion
Classification: Pathogenic for Peroxisome biogenesis disorder 4A (Zellweger). Last evaluated: 2024-11-08. Review status: criteria provided, single submitter. Criteria: ACMG Guidelines, 2015. Collection method: clinical testing. Allele origin: germline. Affected: yes.
Comment: The variant is observed at an extremely low frequency in the gnomAD v4.1.0 dataset (total allele frequency: 0.003%). Predicted Consequence/Location: Frameshift: predicted to result in a loss or disruption of normal protein function through nonsense-mediated decay (NMD) or protein truncation. Multiple pathogenic variants are reported downstream of the variant. The variant has been reported at least twice as pathogenic with clinical assertions and evidence for the classification (ClinVar ID: VCV000495796 /PMID: 19142205). Therefore, this variant is classified as Pathogenic according to the recommendation of ACMG/AMP guideline.

Baylor Genetics
Classification: Pathogenic for Heimler syndrome 2. Last evaluated: 2024-03-18. Review status: criteria provided, single submitter. Criteria: ACMG Guidelines, 2015. Collection method: clinical testing. Allele origin: unknown.

Institute of Human Genetics Munich, TUM University Hospital
Classification: Pathogenic for Peroxisome biogenesis disorder 4A (Zellweger). Last evaluated: 2023-09-18. Review status: criteria provided, single submitter. Criteria: Classification criteria August 2017. Collection method: clinical testing. Allele origin: maternal. Inheritance: Autosomal recessive inheritance. Affected: yes. Observed: 1 variant allele.

Victorian Clinical Genetics Services, Murdoch Childrens Research Institute
Classification: Pathogenic for Peroxisome biogenesis disorder 4B. Last evaluated: 2023-07-17. Review status: criteria provided, single submitter. Criteria: ACMG Guidelines, 2015. Collection method: clinical testing. Allele origin: germline. Inheritance: Autosomal recessive inheritance. Affected: yes.
Comment: Based on the classification scheme VCGS_Germline_v1.3.4, this variant is classified as Pathogenic. Following criteria are met: 0102 - Loss of function is a known mechanism of disease in this gene and is associated with peroxisome biogenesis disorder 4B (MIM#614863), Heimler syndrome 2 (MIM#616617) and peroxisome biogenesis disorder 4A (Zellweger; MIM#614862). (I) 0108 - This gene is associated with both recessive and dominant disease. The recurrent variant p.(Arg860Trp) is associated with autosomal dominant peroxisome biogenesis disorder 4B (PMID: 29220678). In addition, Heimler syndrome 2 is milder due to one allele encoding for a protein with residual function (OMIM). (I) 0201 - Variant is predicted to cause nonsense-mediated decay (NMD) and loss of protein (premature termination codon is located at least 54 nucleotides upstream of the final exon-exon junction). (SP) 0251 - This variant is heterozygous. (I) 0304 - Variant is present in gnomAD (v2) <0.01 (6 heterozygotes, 0 homozygotes). (SP) 0701 - Other NMD-predicted variants comparable to the one identified in this case have very strong previous evidence for pathogenicity (DECIPHER). (SP) 0801 - This variant has strong previous evidence of pathogenicity in unrelated individuals. This variant has been reported as pathogenic, and observed in both homozygous and heterozygous individuals with Zellweger syndrome (PMID: 19877282). (I) Legend: (SP) - Supporting pathogenic, (I) - Information, (SB) - Supporting benign

Blueprint Genetics
Classification: Pathogenic for PEX6-related disorders. Last evaluated: 2023-03-29. Review status: criteria provided, single submitter. Criteria: ACMG Guidelines, 2015. Collection method: clinical testing. Allele origin: germline. Affected: yes. Observed: 5 variant alleles.

CeGaT Center for Human Genetics Tuebingen
Classification: Likely pathogenic. Last evaluated: 2022-08-01. Review status: criteria provided, single submitter. Criteria: CeGaT Center For Human Genetics Tuebingen Variant Classification Criteria Version 2. Collection method: clinical testing. Allele origin: germline. Affected: yes. Observed: 1 variant allele.
Comment: PEX6: PVS1, PS4:Supporting

Revvity Omics, Revvity
Classification: Pathogenic. Last evaluated: 2022-03-15. Review status: criteria provided, single submitter. Criteria: ACMG Guidelines, 2015. Collection method: clinical testing. Allele origin: germline.

Eurofins Ntd Llc (ga)
Classification: Pathogenic. Last evaluated: 2018-06-29. Review status: criteria provided, single submitter. Criteria: EGL ClinVar v180209 classification definitions. Collection method: clinical testing. Allele origin: germline. Observed: 1 variant allele, 1 heterozygote.

Women's Health and Genetics/Laboratory Corporation of America, LabCorp
Classification: Pathogenic for Peroxisome biogenesis disorder. Last evaluated: 2016-09-09. Review status: criteria provided, single submitter. Criteria: LabCorp Variant Classification Summary - May 2015. Collection method: clinical testing. Allele origin: germline.
Comment: Variant summary: The PEX6 c.1947delG (p.Ile650Serfs) variant results in a premature termination codon, predicted to cause a truncated or absent PEX6 protein due to nonsense mediated decay, which are commonly known mechanisms for disease. One in silico tool predicts a damaging outcome for this variant. This variant was found in 4/121404 control chromosomes at a frequency of 0.0000329, which does not exceed the estimated maximal expected allele frequency of a pathogenic PEX6 variant (0.0019365). The variant has been reported in affected individuals in the literature in the homozygous and heterozygous state. Taken together, this variant is classified as pathogenic.

Counsyl
Classification: Pathogenic for Peroxisome biogenesis disorder 4B. Last evaluated: 2017-02-21. Review status: no assertion criteria provided. Collection method: clinical testing. Allele origin: unknown. Not counted in ClinVar's aggregate classification.

Literature cited by the submitters: PubMed 10408779 (cited by Labcorp Genetics (formerly Invitae), Labcorp); PubMed 21031596 (cited by Labcorp Genetics (formerly Invitae), Labcorp and Women's Health and Genetics/Laboratory Corporation of America, LabCorp); PubMed 31831025 (cited by Labcorp Genetics (formerly Invitae), Labcorp); PubMed 19142205 (cited by 4 submitters); PubMed 19877282 (cited by 4 submitters); PubMed 29220678 (cited by Victorian Clinical Genetics Services, Murdoch Childrens Research Institute).